The following is an entry in ClinVar:

ClinVar aggregate classification (germline): Pathogenic (1 of 4 stars; one submission).

gnomAD v4.1: 1 of 1,595,592 alleles (0.000063%); highest among the groups gnomAD compares: African/African-American, 0.0014%; no homozygotes.

Submission:

GeneDx
Classification: Pathogenic. Last evaluated: 2024-11-15. Review status: criteria provided, single submitter. Criteria: GeneDx Variant Classification Process June 2021. Collection method: clinical testing. Allele origin: germline. Affected: yes.
Comment: Identified in a patient with a neurodevelopmental psychiatric disorder in published literature; however, clinical details were not provided (PMID: 36475376); Canonical splice site variant predicted to result in a null allele in a gene for which loss-of-function is a known mechanism of disease; Not observed at significant frequency in large population cohorts (gnomAD); This variant is associated with the following publications: (PMID: 36475376)

NM_170606.3(KMT2C):c.11813-2A>G

Gene: KMT2C (lysine methyltransferase 2C; minus strand). Cytogenetic location: 7q36.1.
Variant type: single nucleotide variant.
Coding change: c.11813-2A>G on transcript NM_170606.3 (MANE Select); the canonical splice acceptor site of the intron before coding-DNA position 11813, A replaced by G.
Molecular consequence: splice acceptor variant.
Genome position (GRCh38, 1-based): chr7:152,156,059, T>C on the plus strand (A>G on the coding strand, the complement: KMT2C is on the minus strand). VCF-style: chr7-152156059-T-C. GRCh37 (hg19) VCF-style: chr7-151853144-T-C.
Identifiers: ClinVar variation 3899501 (VCV003899501.1).